The following is an entry in ClinVar:

NM_001035.3(RYR2):c.1611G>A (p.Leu537=)

Gene: RYR2 (ryanodine receptor 2; plus strand). Cytogenetic location: 1q43.
Variant type: single nucleotide variant.
Coding change: c.1611G>A on transcript NM_001035.3 (MANE Select); coding-DNA position 1611, G replaced by A.
Protein change: p.Leu537=; no amino-acid change (leucine 537 retained).
Molecular consequence: synonymous variant.
Genome position (GRCh38, 1-based): chr1:237,456,734, G>A. VCF-style: chr1-237456734-G-A. GRCh37 (hg19) VCF-style: chr1-237620034-G-A.
Other names: p.Leu537=.
Identifiers: ClinVar variation 36736 (VCV000036736.34), dbSNP rs78281932, ClinGen allele CA008504.

ClinVar aggregate classification (germline): Benign. Review status: criteria provided, multiple submitters, no conflicts (2 of 4 stars). 15 submissions from 14 submitters: Benign (12). 3 of the submissions do not count toward it. Last evaluated 2026-02-03.

Conditions:
Cardiovascular phenotype. Identifiers: MedGen CN230736.
Catecholaminergic polymorphic ventricular tachycardia (CVPT). Also called: Catecholamine-induced polymorphic ventricular tachycardia. Identifiers: Orphanet 3286, MedGen C5574922, MONDO:0017990.
Cardiomyopathy (CMYO). Also called: Cardiomyopathies. Identifiers: Orphanet 167848, MedGen C0878544, MONDO:0004994, HP:0001638. Inheritance: Various modes of inheritance.
Catecholaminergic polymorphic ventricular tachycardia 1. Also called: RYR2-Related Catecholaminergic Polymorphic Ventricular Tachycardia; VENTRICULAR TACHYCARDIA, CATECHOLAMINERGIC POLYMORPHIC, 1, WITH OR WITHOUT ATRIAL DYSFUNCTION AND/OR DILATED CARDIOMYOPATHY; VENTRICULAR TACHYCARDIA, STRESS-INDUCED POLYMORPHIC 1. Identifiers: Orphanet 3286, MedGen C1631597, MONDO:0011484, OMIM 604772.
Arrhythmogenic right ventricular dysplasia 2. Identifiers: MedGen C1832931.

Allele frequency attached by ClinVar (database versions not stated): gnomAD 0.05734 and 0.05350; ESP Exome Variant Server 0.05747; 1000 Genomes Project 0.05990; TOPMed 0.06053; 1000 Genomes Project 30x 0.06277; ExAC 0.01702; gnomAD exomes 0.00558 and 0.01403.
gnomAD v4.1: 16,603 of 1,613,162 alleles (1%); highest among the groups gnomAD compares: African/African-American, 19%; 1,397 homozygotes.

Submissions (15):

Labcorp Genetics (formerly Invitae), Labcorp
Classification: Benign for Catecholaminergic polymorphic ventricular tachycardia 1. Last evaluated: 2026-02-03. Review status: criteria provided, single submitter. Criteria: Invitae Variant Classification Sherloc (09022015). Collection method: clinical testing. Allele origin: germline.

Molecular Diagnostic Laboratory for Inherited Cardiovascular Disease, Montreal Heart Institute
Classification: Benign. Last evaluated: 2025-04-09. Review status: criteria provided, single submitter. Criteria: ACMG Guidelines, 2015. Collection method: clinical testing. Allele origin: germline. Affected: no.

All of Us Research Program, National Institutes of Health
Classification: Benign for Catecholaminergic polymorphic ventricular tachycardia. Last evaluated: 2024-02-05. Review status: criteria provided, single submitter. Criteria: ACMG Guidelines, 2015. Collection method: clinical testing. Allele origin: germline. Inheritance: Autosomal dominant inheritance. Observed: 3,034 variant alleles, 2,804 heterozygotes, 230 homozygotes.
Comment: This study involves interpretation of variants in research participants for the purpose of population health screening. Participant phenotype was not available at the time of variant classification. Additional details can be found in publication PMID: 35346344, PMCID: PMC8962531

Color Diagnostics, LLC DBA Color Health
Classification: Benign for Cardiomyopathy. Last evaluated: 2018-03-09. Review status: criteria provided, single submitter. Criteria: ACMG Guidelines, 2015. Collection method: clinical testing. Allele origin: germline.

Illumina Laboratory Services, Illumina
Classification: Benign for Catecholaminergic polymorphic ventricular tachycardia 1. Last evaluated: 2018-01-12. Review status: criteria provided, single submitter. Criteria: ICSL Variant Classification Criteria 13 December 2019. Collection method: clinical testing. Allele origin: germline.
Comment: This variant was observed in the ICSL laboratory as part of a predisposition screen in an ostensibly healthy population. It had not been previously curated by ICSL or reported in the Human Gene Mutation Database (HGMD: prior to June 1st, 2018), and was therefore a candidate for classification through an automated scoring system. Utilizing variant allele frequency, disease prevalence and penetrance estimates, and inheritance mode, an automated score was calculated to assess if this variant is too frequent to cause the disease. Based on the score and internal cut-off values, a variant classified as benign is not then subjected to further curation. The score for this variant resulted in a classification of benign for this disease.

Illumina Laboratory Services, Illumina
Classification: Benign for Catecholaminergic polymorphic ventricular tachycardia 1. Last evaluated: 2018-01-12. Review status: criteria provided, single submitter. Criteria: ICSL Variant Classification Criteria 13 December 2019. Collection method: clinical testing. Allele origin: germline.
Comment: the same text as in the submission from Illumina Laboratory Services, Illumina above.

Ambry Genetics
Classification: Benign for Cardiovascular phenotype. Last evaluated: 2015-04-20. Review status: criteria provided, single submitter. Criteria: Ambry Variant Classification Scheme 2023. Collection method: clinical testing. Allele origin: germline.

GeneDx
Classification: Benign. Last evaluated: 2015-03-03. Review status: criteria provided, single submitter. Criteria: GeneDx Variant Classification Process June 2021. Collection method: clinical testing. Allele origin: germline. Affected: yes.

Mayo Clinic Laboratories, Mayo Clinic
Classification: Benign. Last evaluated: 2014-03-07. Review status: criteria provided, single submitter. Criteria: ACMG Guidelines, 2015. Collection method: clinical testing. Allele origin: germline. Observed: 76 variant alleles.

Laboratory for Molecular Medicine, Mass General Brigham Personalized Medicine
Classification: Benign. Last evaluated: 2011-12-15. Review status: criteria provided, single submitter. Criteria: LMM Criteria. Collection method: clinical testing. Allele origin: germline. Observed: 94 variant alleles.

Breakthrough Genomics
Classification: Benign. Review status: criteria provided, single submitter. Criteria: ACMG Guidelines, 2015. Collection method: not provided. Allele origin: germline. Inheritance: Autosomal dominant inheritance. Affected: yes.

PreventionGenetics, part of Exact Sciences
Classification: Benign. Review status: criteria provided, single submitter. Criteria: ACMG Guidelines, 2015. Collection method: clinical testing. Allele origin: germline.

Women's Health and Genetics/Laboratory Corporation of America, LabCorp
Classification: Benign for Cardiomyopathy. Last evaluated: 2013-09-13. Review status: no assertion criteria provided. Collection method: clinical testing. Allele origin: germline. Not counted in ClinVar's aggregate classification.

Clinical Genetics DNA and cytogenetics Diagnostics Lab, Erasmus MC, Erasmus Medical Center
Classification: Benign. Review status: no assertion criteria provided. Collection method: clinical testing. Allele origin: germline. Affected: yes. Study: VKGL Data-share Consensus. Not counted in ClinVar's aggregate classification.

Clinical Genetics, Academic Medical Center
Classification: Benign. Review status: no assertion criteria provided. Collection method: clinical testing. Allele origin: germline. Affected: yes. Study: VKGL Data-share Consensus. Not counted in ClinVar's aggregate classification.